The following is an entry in ClinVar:

ClinVar aggregate classification (germline): Uncertain significance (1 of 4 stars; one submission).

gnomAD v4.1: 2 of 1,564,294 alleles (0.00013%); highest among the groups gnomAD compares: Non-Finnish European, 0.00017%; no homozygotes.

Submission:

Dasa
Classification: Uncertain significance. Last evaluated: 2024-12-16. Review status: criteria provided, single submitter. Criteria: DASA Assertion Criteria. Collection method: clinical testing. Allele origin: germline.
Comment: NM_005611.4(RBL2):c.88G>A (p.Glu30Lys) is a missense variant that results in the substitution of glutamic acid with lysine. This variant is rare in population databases. Computational prediction algorithms are consistent with a benign effect. The currently available literature and clinical evidence are not sufficient to establish a definitive association between this variant and the reported condition. Therefore, this variant is classified as a variant of uncertain significance.

NM_005611.4(RBL2):c.88G>A (p.Glu30Lys)

Genes: RBL2 (RB transcriptional corepressor like 2; plus strand), LOC130059028 (ATAC-STARR-seq lymphoblastoid silent region 7496; plus strand). Cytogenetic location: 16q12.2.
Variant type: single nucleotide variant.
Coding change: c.88G>A on transcript NM_005611.4 (MANE Select); coding-DNA position 88, G replaced by A.
Protein change: p.Glu30Lys; replaces glutamic acid 30 with lysine.
Molecular consequence: missense variant.
Genome position (GRCh38, 1-based): chr16:53,434,644, G>A. VCF-style: chr16-53434644-G-A. GRCh37 (hg19) VCF-style: chr16-53468556-G-A.
Other names: c.88G>A, p.Glu30Lys (NM_001323608.2, NM_001323609.2, NM_001323610.2); short protein forms E30K.
Identifiers: ClinVar variation 4883193 (VCV004883193.2).